The following is an entry in ClinVar:

ClinVar aggregate classification (germline): Benign (1 of 4 stars; one submission).

Conditions:
Lynch syndrome 5 (LYNCH5). Also called: Colorectal cancer, hereditary nonpolyposis, type 5; Hereditary non-polyposis colorectal cancer, type 5. Identifiers: Orphanet 144, MedGen C1833477, MONDO:0013710, OMIM 614350. Disease mechanism: loss of function.

Submission:

Myriad Genetics, Inc.
Classification: Benign for Lynch syndrome 5. Last evaluated: 2024-12-18. Review status: criteria provided, single submitter. Criteria: Myriad Autosomal Dominant, Autosomal Recessive and X-Linked Classification Criteria (2023). Collection method: clinical testing. Allele origin: unknown.
Comment: This variant is considered benign. This variant is a silent/synonymous amino acid change and it is not expected to impact splicing.

NM_000179.3(MSH6):c.351A>T (p.Gly117=)

Gene: MSH6 (mutS homolog 6; plus strand). Cytogenetic location: 2p16.3.
Variant type: single nucleotide variant.
Coding change: c.351A>T on transcript NM_000179.3 (MANE Select); coding-DNA position 351, A replaced by T.
Protein change: p.Gly117=; no amino-acid change (glycine 117 retained).
Molecular consequence: synonymous variant. On other transcripts: 5 prime UTR variant (7), non-coding transcript variant (5), intron variant (6).
Genome position (GRCh38, 1-based): chr2:47,791,017, A>T. VCF-style: chr2-47791017-A-T. GRCh37 (hg19) VCF-style: chr2-48018156-A-T.
Other names: c.-386A>T (NM_001281493.2, NM_001406811.1, NM_001406823.1 and 1 more transcripts); c.-552A>T (NM_001281494.2); c.447A>T, p.Gly149= (NM_001406795.1, NM_001406802.1); c.351A>T, p.Gly117= (NM_001406796.1, NM_001406798.1, NM_001406800.1 and 6 more transcripts); c.54A>T, p.Gly18= (NM_001406797.1, NM_001406801.1, NM_001406805.1 and 10 more transcripts); c.273A>T, p.Gly91= (NM_001406804.1); c.-578A>T (NM_001406807.1); c.-644A>T (NM_001406814.1); and 6 more.
Identifiers: ClinVar variation 3903960 (VCV003903960.1).